The following is an entry in ClinVar:

ClinVar aggregate classification (germline): Uncertain significance. Review status: criteria provided, multiple submitters, no conflicts (2 of 4 stars). 3 submissions from 3 submitters: Uncertain significance (3). Last evaluated 2023-12-24.

Conditions:
Familial adenomatous polyposis 1 (FAP1). Also called: POLYPOSIS, ADENOMATOUS INTESTINAL; FAMILIAL ADENOMATOUS POLYPOSIS 1, ATTENUATED. Identifiers: MedGen C2713442, MONDO:0021056, OMIM 175100. Disease mechanism: loss of function.
Hereditary cancer-predisposing syndrome. Also called: Hereditary Cancer Syndrome; Neoplastic Syndromes, Hereditary; Tumor predisposition; Hereditary neoplastic syndrome. Identifiers: Orphanet 140162, MedGen C0027672, MeSH D009386, MONDO:0015356.

Submissions (3):

Baylor Genetics
Classification: Uncertain significance for Familial adenomatous polyposis 1. Last evaluated: 2023-12-24. Review status: criteria provided, single submitter. Criteria: ACMG Guidelines, 2015. Collection method: clinical testing. Allele origin: unknown.

Labcorp Genetics (formerly Invitae), Labcorp
Classification: Uncertain significance for Familial adenomatous polyposis 1. Last evaluated: 2023-09-26. Review status: criteria provided, single submitter. Criteria: Invitae Variant Classification Sherloc (09022015). Collection method: clinical testing. Allele origin: germline.
Comment: This sequence change replaces leucine, which is neutral and non-polar, with serine, which is neutral and polar, at codon 1601 of the APC protein (p.Leu1601Ser). This variant is not present in population databases (gnomAD no frequency). This variant has not been reported in the literature in individuals affected with APC-related conditions. ClinVar contains an entry for this variant (Variation ID: 489458). Advanced modeling of protein sequence and biophysical properties (such as structural, functional, and spatial information, amino acid conservation, physicochemical variation, residue mobility, and thermodynamic stability) performed at Invitae indicates that this missense variant is not expected to disrupt APC protein function. In summary, the available evidence is currently insufficient to determine the role of this variant in disease. Therefore, it has been classified as a Variant of Uncertain Significance.

Color Diagnostics, LLC DBA Color Health
Classification: Uncertain significance for Hereditary cancer-predisposing syndrome. Last evaluated: 2019-02-20. Review status: criteria provided, single submitter. Criteria: ACMG Guidelines, 2015. Collection method: clinical testing. Allele origin: germline.

NM_000038.6(APC):c.4802T>C (p.Leu1601Ser)

Gene: APC (APC regulator of Wnt signaling pathway; plus strand). Cytogenetic location: 5q22.2.
Variant type: single nucleotide variant.
Coding change: c.4802T>C on transcript NM_000038.6 (MANE Select); coding-DNA position 4802, T replaced by C.
Protein change: p.Leu1601Ser; replaces leucine 1601 with serine.
Molecular consequence: missense variant.
Genome position (GRCh38, 1-based): chr5:112,840,396, T>C. VCF-style: chr5-112840396-T-C. GRCh37 (hg19) VCF-style: chr5-112176093-T-C.
Other names: c.4748T>C, p.Leu1583Ser (NM_001127511.3); c.4802T>C, p.Leu1601Ser (NM_001354895.2, NM_001127510.3); c.4856T>C, p.Leu1619Ser (NM_001354896.2); c.4832T>C, p.Leu1611Ser (NM_001354897.2); c.4727T>C, p.Leu1576Ser (NM_001354898.2); c.4718T>C, p.Leu1573Ser (NM_001354899.2); c.4679T>C, p.Leu1560Ser (NM_001354900.2); c.4625T>C, p.Leu1542Ser (NM_001354901.2); and 5 more; short protein forms L1583S, L1601S, L1611S, L1318S, L1441S, L1573S, L1510S, L1475S.
Identifiers: ClinVar variation 489458 (VCV000489458.8), dbSNP rs1554086214, ClinGen allele CA16031855.